The following is an entry in ClinVar:

NM_001379500.1(COL18A1):c.3396G>T (p.Gln1132His)

Genes: COL18A1 (collagen type XVIII alpha 1 chain; plus strand), SLC19A1 (solute carrier family 19 member 1; minus strand). Cytogenetic location: 21q22.3.
Variant type: single nucleotide variant.
Coding change: c.3396G>T on transcript NM_001379500.1 (MANE Select); coding-DNA position 3396, G replaced by T.
Protein change: p.Gln1132His; replaces glutamine 1132 with histidine.
Molecular consequence: missense variant.
Genome position (GRCh38, 1-based): chr21:45,509,502, G>T. VCF-style: chr21-45509502-G-T. GRCh37 (hg19) VCF-style: chr21-46929416-G-T.
Other names: c.3927G>T, p.Gln1309His (NM_030582.4); c.4632G>T, p.Gln1544His (NM_130444.3); short protein forms Q1544H, Q1132H, Q1309H.
Identifiers: ClinVar variation 1401140 (VCV001401140.6), dbSNP rs2037444217, ClinGen allele CA410500966.

ClinVar aggregate classification (germline): Uncertain significance (1 of 4 stars; one submission).

Submission:

Labcorp Genetics (formerly Invitae), Labcorp
Classification: Uncertain significance. Last evaluated: 2020-12-30. Review status: criteria provided, single submitter. Criteria: Invitae Variant Classification Sherloc (09022015). Collection method: clinical testing. Allele origin: germline.
Comment: This sequence change replaces glutamine with histidine at codon 1129 of the COL18A1 protein (p.Gln1129His). The glutamine residue is weakly conserved and there is a small physicochemical difference between glutamine and histidine. The frequency data for this variant in the population databases is considered unreliable, as metrics indicate insufficient coverage at this position in the ExAC database. This variant has not been reported in the literature in individuals with COL18A1-related conditions. Experimental studies and prediction algorithms are not available or were not evaluated, and the functional significance of this variant is currently unknown. In summary, the available evidence is currently insufficient to determine the role of this variant in disease. Therefore, it has been classified as a Variant of Uncertain Significance.